The following is an entry in ClinVar:

ClinVar aggregate classification (germline): Uncertain significance. Review status: criteria provided, single submitter (1 of 4 stars). 2 submissions from 2 submitters: Uncertain significance (1). 1 of the submissions does not count toward it. Last evaluated 2022-03-19.

Conditions:
Mucopolysaccharidosis, MPS-III-D (MPS3D). Also called: N-ACETYLGLUCOSAMINE-6-SULFATASE DEFICIENCY; SANFILIPPO SYNDROME D; MPS III D; Mucopoly-saccharidosis type 3D; N-acetylglucosamine-6-sulfate sulfatase deficiency; MPS 3D. Identifiers: Orphanet 581, Orphanet 79272, MedGen C0086650, MONDO:0009658, OMIM 252940.
Sanfilippo syndrome. Also called: Sanfilippo disease; Mucopolysaccharidosis Type III; Mucopolysaccharidosis type 3. Identifiers: Orphanet 581, MedGen C0026706, MONDO:0018937.

Allele frequency attached by ClinVar (database versions not stated): TOPMed below 0.00001.

Submissions (2):

Labcorp Genetics (formerly Invitae), Labcorp
Classification: Uncertain significance for Mucopolysaccharidosis, MPS-III-D. Last evaluated: 2022-03-19. Review status: criteria provided, single submitter. Criteria: Invitae Variant Classification Sherloc (09022015). Collection method: clinical testing. Allele origin: germline.
Comment: This variant has not been reported in the literature in individuals affected with GNS-related conditions. This variant is not present in population databases (gnomAD no frequency). This sequence change replaces lysine, which is basic and polar, with glutamic acid, which is acidic and polar, at codon 360 of the GNS protein (p.Lys360Glu). Algorithms developed to predict the effect of missense changes on protein structure and function (SIFT, PolyPhen-2, Align-GVGD) all suggest that this variant is likely to be tolerated. In summary, the available evidence is currently insufficient to determine the role of this variant in disease. Therefore, it has been classified as a Variant of Uncertain Significance.

Natera, Inc.
Classification: Uncertain significance for Sanfilippo disease. Last evaluated: 2025-03-20. Review status: no assertion criteria provided. Collection method: clinical testing. Allele origin: germline. Not counted in ClinVar's aggregate classification.

NM_002076.4(GNS):c.1078A>G (p.Lys360Glu)

Gene: GNS (glucosamine (N-acetyl)-6-sulfatase; minus strand). Cytogenetic location: 12q14.3.
Variant type: single nucleotide variant.
Coding change: c.1078A>G on transcript NM_002076.4 (MANE Select); coding-DNA position 1078, A replaced by G.
Protein change: p.Lys360Glu; replaces lysine 360 with glutamic acid.
Molecular consequence: missense variant.
Genome position (GRCh38, 1-based): chr12:64,737,024, T>C on the plus strand (A>G on the coding strand, the complement: GNS is on the minus strand). VCF-style: chr12-64737024-T-C. GRCh37 (hg19) VCF-style: chr12-65130804-T-C.
Other names: c.1078A>G (NM_002076.3); short protein forms K360E.
Identifiers: ClinVar variation 2139420 (VCV002139420.5), dbSNP rs1274212032, ClinGen allele CA385605698.